The following is an entry in ClinVar:

ClinVar aggregate classification (germline): Uncertain significance. Review status: criteria provided, multiple submitters, no conflicts (2 of 4 stars). 2 submissions from 2 submitters: Uncertain significance (2). Last evaluated 2024-03-24.

Conditions:
Malignant hyperthermia, susceptibility to, 1 (MHS1). Also called: Anesthesia related hyperthermia; Malignant hyperpyrexia; Fulminating hyperpyrexia; Pharmacogenic myopathy; RYR1-Related Malignant Hyperthermia Susceptibility; Malignant hyperthermia suceptibility 1. Identifiers: Orphanet 423, MedGen C2930980, MONDO:0007783, OMIM 145600.

Allele frequency attached by ClinVar (database versions not stated): TOPMed below 0.00001; ExAC 0.00001; gnomAD 0.00001; gnomAD exomes 0.00001.
gnomAD v4.1: 10 of 1,614,024 alleles (0.00062%); highest among the groups gnomAD compares: Middle Eastern, 0.016%; no homozygotes.

Submissions (2):

All of Us Research Program, National Institutes of Health
Classification: Uncertain significance for Malignant hyperthermia, susceptibility to, 1. Last evaluated: 2024-03-24. Review status: criteria provided, single submitter. Criteria: ACMG Guidelines, 2015. Collection method: clinical testing. Allele origin: germline. Inheritance: Autosomal dominant inheritance. Observed: 2 variant alleles, 2 heterozygotes.
Comment: This missense variant replaces arginine with histidine at codon 3570 of the RYR1 protein. Computational prediction suggests that this variant may have deleterious impact on protein structure and function (internally defined REVEL score threshold >= 0.7, PMID: 27666373). To our knowledge, functional studies have not been reported for this variant. This variant has not been reported in individuals affected with RYR1-related disorders in the literature. This variant has been identified in 1/250914 chromosomes in the general population by the Genome Aggregation Database (gnomAD). The available evidence is insufficient to determine the role of this variant in disease conclusively. Therefore, this variant is classified as a Variant of Uncertain Significance.

This study involves interpretation of variants in research participants for the purpose of population health screening. Participant phenotype was not available at the time of variant classification. Additional details can be found in publication PMID: 35346344, PMCID: PMC8962531

Color Diagnostics, LLC DBA Color Health
Classification: Uncertain significance for Malignant hyperthermia, susceptibility to, 1. Last evaluated: 2024-02-15. Review status: criteria provided, single submitter. Criteria: ACMG Guidelines, 2015. Collection method: clinical testing. Allele origin: germline.
Comment: This missense variant replaces arginine with histidine at codon 3570 of the RYR1 protein. Computational prediction suggests that this variant may have deleterious impact on protein structure and function. To our knowledge, functional studies have not been reported for this variant. This variant has not been reported in individuals affected with RYR1-related disorders in the literature. This variant has been identified in 1/250914 chromosomes in the general population by the Genome Aggregation Database (gnomAD). The available evidence is insufficient to determine the role of this variant in disease conclusively. Therefore, this variant is classified as a Variant of Uncertain Significance.

NM_000540.3(RYR1):c.10709G>A (p.Arg3570His)

Gene: RYR1 (ryanodine receptor 1; plus strand). Cytogenetic location: 19q13.2.
Variant type: single nucleotide variant.
Coding change: c.10709G>A on transcript NM_000540.3 (MANE Select); coding-DNA position 10709, G replaced by A.
Protein change: p.Arg3570His; replaces arginine 3570 with histidine.
Molecular consequence: missense variant.
Genome position (GRCh38, 1-based): chr19:38,527,669, G>A. VCF-style: chr19-38527669-G-A. GRCh37 (hg19) VCF-style: chr19-39018309-G-A.
Other names: c.10694G>A, p.Arg3565His (NM_001042723.2); short protein forms R3565H, R3570H.
Identifiers: ClinVar variation 3075110 (VCV003075110.3), dbSNP rs760433572, ClinGen allele CA054540.
Genomic context (GRCh38, chr19:38,527,669, plus strand): 5'-GGTCCCTCACGCCGGCCACTCCTTCTTCCTCCCTTCAGGTCGAAGGCTCCCCGTCTCTGC[G>A]CTGGCAGATGGCTCTGTACCGGGGCGTCCCGGGTCGCGAGGAGGACGCCGATGACCCCGA-3'
Protein context (NP_000531.2, residues 3560-3580): QGKVEGSPSL[Arg3570His]WQMALYRGVP